The following is an entry in ClinVar:

NM_001844.5(COL2A1):c.2081T>C (p.Leu694Pro)

Gene: COL2A1 (collagen type II alpha 1 chain; minus strand). Cytogenetic location: 12q13.11.
Variant type: single nucleotide variant.
Coding change: c.2081T>C on transcript NM_001844.5 (MANE Select); coding-DNA position 2081, T replaced by C.
Protein change: p.Leu694Pro; replaces leucine 694 with proline.
Molecular consequence: missense variant.
Genome position (GRCh38, 1-based): chr12:47,983,106, A>G on the plus strand (T>C on the coding strand, the complement: COL2A1 is on the minus strand). VCF-style: chr12-47983106-A-G. GRCh37 (hg19) VCF-style: chr12-48376889-A-G.
Other names: c.1874T>C, p.Leu625Pro (NM_033150.3); short protein forms L625P, L694P.
Identifiers: ClinVar variation 4703583 (VCV004703583.1).

ClinVar aggregate classification (germline): Uncertain significance (1 of 4 stars; one submission).

gnomAD v4.1: 15 of 1,613,938 alleles (0.00093%); highest among the groups gnomAD compares: Non-Finnish European, 0.0012%; no homozygotes.

Submission:

Labcorp Genetics (formerly Invitae), Labcorp
Classification: Uncertain significance. Last evaluated: 2025-06-24. Review status: criteria provided, single submitter. Criteria: Invitae Variant Classification Sherloc (09022015). Collection method: clinical testing. Allele origin: germline.
Comment: This sequence change replaces leucine, which is neutral and non-polar, with proline, which is neutral and non-polar, at codon 694 of the COL2A1 protein (p.Leu694Pro). This variant is not present in population databases (gnomAD no frequency). This variant has not been reported in the literature in individuals affected with COL2A1-related conditions. Invitae Evidence Modeling of protein sequence and biophysical properties (such as structural, functional, and spatial information, amino acid conservation, physicochemical variation, residue mobility, and thermodynamic stability) indicates that this missense variant is not expected to disrupt COL2A1 protein function with a negative predictive value of 95%. In summary, the available evidence is currently insufficient to determine the role of this variant in disease. Therefore, it has been classified as a Variant of Uncertain Significance.